The following is an entry in ClinVar:

NM_006073.4(TRDN):c.1569G>T (p.Glu523Asp)

Gene: TRDN (triadin; minus strand). Cytogenetic location: 6q22.31.
Variant type: single nucleotide variant.
Coding change: c.1569G>T on transcript NM_006073.4 (MANE Select); coding-DNA position 1569, G replaced by T.
Protein change: p.Glu523Asp; replaces glutamic acid 523 with aspartic acid.
Molecular consequence: missense variant.
Genome position (GRCh38, 1-based): chr6:123,274,669, C>A on the plus strand (G>T on the coding strand, the complement: TRDN is on the minus strand). VCF-style: chr6-123274669-C-A. GRCh37 (hg19) VCF-style: chr6-123595814-C-A.
Other names: short protein forms E523D.
Identifiers: ClinVar variation 571071 (VCV000571071.15), dbSNP rs1395279008, ClinGen allele CA365565133.

ClinVar aggregate classification (germline): Uncertain significance. Review status: criteria provided, multiple submitters, no conflicts (2 of 4 stars). 3 submissions from 3 submitters: Uncertain significance (3). Last evaluated 2026-03-03.

Conditions:
Cardiovascular phenotype. Identifiers: MedGen CN230736.
Catecholaminergic polymorphic ventricular tachycardia 1. Also called: VENTRICULAR TACHYCARDIA, CATECHOLAMINERGIC POLYMORPHIC, 1, WITH OR WITHOUT ATRIAL DYSFUNCTION AND/OR DILATED CARDIOMYOPATHY; RYR2-Related Catecholaminergic Polymorphic Ventricular Tachycardia; VENTRICULAR TACHYCARDIA, STRESS-INDUCED POLYMORPHIC 1. Identifiers: Orphanet 3286, MedGen C1631597, MONDO:0011484, OMIM 604772.

Allele frequency attached by ClinVar (database versions not stated): gnomAD exomes 0.00001; TOPMed below 0.00001; gnomAD 0.00001.
gnomAD v4.1: 6 of 1,607,274 alleles (0.00037%); highest among the groups gnomAD compares: African/African-American, 0.004%; no homozygotes.

Submissions (3):

GeneDx
Classification: Uncertain significance. Last evaluated: 2026-03-03. Review status: criteria provided, single submitter. Criteria: GeneDx Variant Classification Process June 2021. Collection method: clinical testing. Allele origin: germline.
Comment: Not observed at significant frequency in large population cohorts (gnomAD); In silico analysis suggests that this missense variant does not alter protein structure/function; Has not been previously published as pathogenic or benign to our knowledge

Ambry Genetics
Classification: Uncertain significance for Cardiovascular phenotype. Last evaluated: 2020-11-02. Review status: criteria provided, single submitter. Criteria: Ambry Variant Classification Scheme 2023. Collection method: clinical testing. Allele origin: germline.
Comment: The p.E523D variant (also known as c.1569G>T), located in coding exon 27 of the TRDN gene, results from a G to T substitution at nucleotide position 1569. The glutamic acid at codon 523 is replaced by aspartic acid, an amino acid with highly similar properties. This amino acid position is well conserved in available vertebrate species. In addition, this alteration is predicted to be tolerated by in silico analysis. Since supporting evidence is limited at this time, the clinical significance of this alteration remains unclear.

Labcorp Genetics (formerly Invitae), Labcorp
Classification: Uncertain significance for Catecholaminergic polymorphic ventricular tachycardia 1. Last evaluated: 2019-05-25. Review status: criteria provided, single submitter. Criteria: Invitae Variant Classification Sherloc (09022015). Collection method: clinical testing. Allele origin: germline.
Comment: Algorithms developed to predict the effect of missense changes on protein structure and function do not agree on the potential impact of this missense change (SIFT: "Deleterious"; PolyPhen-2: "Benign"; Align-GVGD: "Class C0"). This sequence change replaces glutamic acid with aspartic acid at codon 523 of the TRDN protein (p.Glu523Asp). The glutamic acid residue is moderately conserved and there is a small physicochemical difference between glutamic acid and aspartic acid. This variant is not present in population databases (ExAC no frequency). This variant has not been reported in the literature in individuals with TRDN-related disease. In summary, the available evidence is currently insufficient to determine the role of this variant in disease. Therefore, it has been classified as a Variant of Uncertain Significance.